The following is an entry in ClinVar:

NM_000052.7(ATP7A):c.1878T>C (p.Gly626=)

Gene: ATP7A (ATPase copper transporting alpha; plus strand). Cytogenetic location: Xq21.1.
Variant type: single nucleotide variant.
Coding change: c.1878T>C on transcript NM_000052.7 (MANE Select); coding-DNA position 1878, T replaced by C.
Protein change: p.Gly626=; no amino-acid change (glycine 626 retained).
Molecular consequence: synonymous variant.
Genome position (GRCh38, 1-based): chrX:78,011,184, T>C. VCF-style: chrX-78011184-T-C. GRCh37 (hg19) VCF-style: chrX-77266681-T-C.
Other names: p.Gly626=; c.1878T>C, p.Gly626= (NM_001282224.2).
Identifiers: ClinVar variation 1612539 (VCV001612539.9), dbSNP rs782299586, ClinGen allele CA10459154.

ClinVar aggregate classification (germline): Likely benign. Review status: criteria provided, multiple submitters, no conflicts (2 of 4 stars). 2 submissions from 2 submitters: Likely benign (2). Last evaluated 2026-01-29.

Conditions:
X-linked distal spinal muscular atrophy type 3. Also called: NEURONOPATHY, DISTAL HEREDITARY MOTOR, X-LINKED; NEUROPATHY, DISTAL HEREDITARY MOTOR, X-LINKED; ATP7A-Related Distal Motor Neuropathy; SPINAL MUSCULAR ATROPHY, DISTAL, X-LINKED RECESSIVE. Identifiers: Orphanet 139557, MedGen C1845359, MONDO:0010338, OMIM 300489.
Menkes kinky-hair syndrome (MNK). Also called: Menkes Disease; Copper transport disease; Classic Menkes Disease. Identifiers: Orphanet 565, MedGen C0022716, MONDO:0010651, OMIM 309400.
Cutis laxa, X-linked (OHS). Also called: EDS IX; Occipital horn syndrome. Identifiers: Orphanet 198, MedGen C0268353, MONDO:0010572, OMIM 304150.

Allele frequency attached by ClinVar (database versions not stated): gnomAD exomes below 0.00001 and 0.00001; ExAC 0.00001.
gnomAD v4.1: 4 of 1,208,963 alleles (0.00033%); highest among the groups gnomAD compares: Non-Finnish European, 0.00022%; no homozygotes.

Submissions (2):

Labcorp Genetics (formerly Invitae), Labcorp
Classification: Likely benign for X-linked distal spinal muscular atrophy type 3; Cutis laxa, X-linked; Menkes kinky-hair syndrome. Last evaluated: 2026-01-29. Review status: criteria provided, single submitter. Criteria: Invitae Variant Classification Sherloc (09022015). Collection method: clinical testing. Allele origin: germline.

Mayo Clinic Laboratories, Mayo Clinic
Classification: Likely benign. Last evaluated: 2025-08-19. Review status: criteria provided, single submitter. Criteria: ACMG Guidelines, 2015. Collection method: clinical testing. Allele origin: germline. Observed: 1 variant allele.
Comment: BS1, BP4, BP7